The following is an entry in ClinVar:

NM_001032382.2(PQBP1):c.180-3C>T

Gene: PQBP1 (polyglutamine binding protein 1; plus strand). Cytogenetic location: Xp11.23.
Variant type: single nucleotide variant.
Coding change: c.180-3C>T on transcript NM_001032382.2 (MANE Select); 3 bases into the intron before coding-DNA position 180, C replaced by T.
Molecular consequence: intron variant.
Genome position (GRCh38, 1-based): chrX:48,901,927, C>T. VCF-style: chrX-48901927-C-T. GRCh37 (hg19) VCF-style: chrX-48759204-C-T.
Other names: c.180-3C>T (NM_001032383.2, NM_144495.3, NM_001032381.2 and 4 more transcripts); c.156-3C>T (NM_001167990.2).
Identifiers: ClinVar variation 95309 (VCV000095309.30), dbSNP rs741932, ClinGen allele CA148414.

ClinVar aggregate classification (germline): Benign. Review status: criteria provided, multiple submitters, no conflicts (2 of 4 stars). 11 submissions from 11 submitters: Benign (10). 1 of the submissions does not count toward it. Last evaluated 2026-02-03.

Conditions:
History of neurodevelopmental disorder. Identifiers: MedGen C2711754.
Renpenning syndrome. Also called: MENTAL RETARDATION, X-LINKED 55; MENTAL RETARDATION, X-LINKED, SYNDROMIC 8; SUTHERLAND-HAAN X-LINKED MENTAL RETARDATION SYNDROME; GOLABI-ITO-HALL SYNDROME; Mental retardation, X-linked Renpenning type; X-linked mental retardation with spastic diplegia. Identifiers: Orphanet 3242, MedGen C0796135, MONDO:0010653, OMIM 309500.

Allele frequency attached by ClinVar (database versions not stated): ESP Exome Variant Server 0.57361; gnomAD 0.57792; TOPMed 0.57842; gnomAD exomes 0.60600; ExAC 0.61239; 1000 Genomes Project 30x 0.62060; 1000 Genomes Project 0.62543.

Submissions (12):

Labcorp Genetics (formerly Invitae), Labcorp
Classification: Benign. Last evaluated: 2026-02-03. Review status: criteria provided, single submitter. Criteria: Invitae Variant Classification Sherloc (09022015). Collection method: clinical testing. Allele origin: germline.

Blueprint Genetics
Classification: Benign. Last evaluated: 2024-11-28. Review status: criteria provided, single submitter. Criteria: ACMG Guidelines, 2015. Collection method: clinical testing. Allele origin: germline.

Genome-Nilou Lab
Classification: Benign for Renpenning syndrome. Last evaluated: 2021-10-25. Review status: criteria provided, single submitter. Criteria: ACMG Guidelines, 2015. Collection method: clinical testing. Allele origin: germline. Affected: no.

Athena Diagnostics
Classification: Benign. Last evaluated: 2018-05-07. Review status: criteria provided, single submitter. Criteria: Athena Diagnostics Criteria. Collection method: clinical testing. Allele origin: germline.

Mayo Clinic Laboratories, Mayo Clinic
Classification: Benign. Last evaluated: 2018-04-02. Review status: criteria provided, single submitter. Criteria: ACMG Guidelines, 2015. Collection method: clinical testing. Allele origin: germline. Observed: 210 variant alleles.

Illumina Laboratory Services, Illumina
Classification: Benign for Renpenning syndrome. Last evaluated: 2018-01-13. Review status: criteria provided, single submitter. Criteria: ICSL Variant Classification Criteria 13 December 2019. Collection method: clinical testing. Allele origin: germline.
Comment: This variant was observed in the ICSL laboratory as part of a predisposition screen in an ostensibly healthy population. It had not been previously curated by ICSL or reported in the Human Gene Mutation Database (HGMD: prior to June 1st, 2018), and was therefore a candidate for classification through an automated scoring system. Utilizing variant allele frequency, disease prevalence and penetrance estimates, and inheritance mode, an automated score was calculated to assess if this variant is too frequent to cause the disease. Based on the score and internal cut-off values, a variant classified as benign is not then subjected to further curation. The score for this variant resulted in a classification of benign for this disease.

Ambry Genetics
Classification: Benign for History of neurodevelopmental disorder. Last evaluated: 2016-03-11. Review status: criteria provided, single submitter. Criteria: Ambry Autosomal Dominant and X-Linked criteria (10/2015). Collection method: clinical testing. Allele origin: germline. Observed: 1 variant allele.

GeneDx
Classification: Benign. Last evaluated: 2015-03-03. Review status: criteria provided, single submitter. Criteria: GeneDx Variant Classification Process June 2021. Collection method: clinical testing. Allele origin: germline. Affected: yes.

Eurofins Ntd Llc (ga)
Classification: Benign. Last evaluated: 2014-05-01. Review status: criteria provided, single submitter. Criteria: EGL Classification Definitions 2015. Collection method: clinical testing. Allele origin: germline. Observed: 9 variant alleles, 1 homozygote, 8 hemizygotes.

Breakthrough Genomics
Classification: Benign. Review status: criteria provided, single submitter. Criteria: ACMG Guidelines, 2015. Collection method: not provided. Allele origin: germline. Inheritance: X-linked inheritance. Affected: yes.

Dr. Peter K. Rogan Lab, Western University
No classification provided (evidence only). Condition: Hepatocellular carcinoma. Review status: no classification provided. Collection method: in vitro. Allele origin: not applicable. Functional consequence: retained intron. Not counted in ClinVar's aggregate classification.

Genetic Services Laboratory, University of Chicago
Classification: Likely benign for AllHighlyPenetrant. Review status: no assertion criteria provided. Collection method: clinical testing. Allele origin: germline. Inheritance: X-linked inheritance. Not counted in ClinVar's aggregate classification.
Comment: Likely benign based on allele frequency in 1000 Genomes Project or ESP global frequency and its presence in a patient with a rare or unrelated disease phenotype. NOT Sanger confirmed.